The following is an entry in ClinVar:

NM_016222.4(DDX41):c.425T>A (p.Ile142Asn)

Gene: DDX41 (DEAD-box helicase 41; minus strand). Cytogenetic location: 5q35.3.
Variant type: single nucleotide variant.
Coding change: c.425T>A on transcript NM_016222.4 (MANE Select); coding-DNA position 425, T replaced by A.
Protein change: p.Ile142Asn; replaces isoleucine 142 with asparagine.
Molecular consequence: missense variant.
Genome position (GRCh38, 1-based): chr5:177,515,938, A>T on the plus strand (T>A on the coding strand, the complement: DDX41 is on the minus strand). VCF-style: chr5-177515938-A-T. GRCh37 (hg19) VCF-style: chr5-176942939-A-T.
Other names: c.47T>A, p.Ile16Asn (NM_001321732.2, NM_001321830.2); short protein forms I16N, I142N.
Identifiers: ClinVar variation 4010296 (VCV004010296.1).

ClinVar aggregate classification (germline): Uncertain significance (1 of 4 stars; one submission).

Conditions:
Inborn genetic diseases. Identifiers: MedGen C0950123, MeSH D030342.

Submission:

Ambry Genetics
Classification: Uncertain significance for Inborn genetic diseases. Last evaluated: 2025-03-31. Review status: criteria provided, single submitter. Criteria: Ambry Variant Classification Scheme 2023. Collection method: clinical testing. Allele origin: germline.
Comment: The p.I142N variant (also known as c.425T>A), located in coding exon 5 of the DDX41 gene, results from a T to A substitution at nucleotide position 425. The isoleucine at codon 142 is replaced by asparagine, an amino acid with dissimilar properties. This amino acid position is conserved. In addition, the in silico prediction for this alteration is inconclusive. Based on the available evidence, the clinical significance of this variant remains unclear.